The following is an entry in ClinVar:

NM_001378418.1(TCF20):c.4252_4255del (p.Ser1418fs)

Gene: TCF20 (transcription factor 20; minus strand). Cytogenetic location: 22q13.2.
Variant type: Microsatellite.
Coding change: c.4252_4255del on transcript NM_001378418.1 (MANE Select); coding-DNA positions 4252 to 4255, 4 bases deleted (AGTC; older notation c.4252_4255delAGTC).
Protein change: p.Ser1418fs; shifts the reading frame from serine 1418.
Molecular consequence: frameshift variant.
Genome position (GRCh38, 1-based): chr22:42,211,051-42,211,054, GACT deleted on the plus strand (AGTC on the coding strand, the reverse complement: TCF20 is on the minus strand); deleting any 4 consecutive bases within chr22:42,211,051-42,211,058 gives the same sequence; the c. name uses the placement nearest the transcript's 3' end. VCF-style (leftmost placement, unchanged base first): chr22-42211050-GGACT-G. GRCh37 (hg19) VCF-style: chr22-42607056-GGACT-G.
Other names: c.4252_4255del, p.Ser1418fs (NM_005650.4, NM_181492.3); short protein forms S1418fs.
Identifiers: ClinVar variation 3906489 (VCV003906489.1).

ClinVar aggregate classification (germline): Pathogenic (1 of 4 stars; one submission).

Submission:

GeneDx
Classification: Pathogenic. Last evaluated: 2024-12-20. Review status: criteria provided, single submitter. Criteria: GeneDx Variant Classification Process June 2021. Collection method: clinical testing. Allele origin: germline. Affected: yes.
Comment: Frameshift variant predicted to result in protein truncation or nonsense mediated decay in a gene for which loss of function is a known mechanism of disease; Not observed at significant frequency in large population cohorts (gnomAD); Has not been previously published as pathogenic or benign to our knowledge